The following is an entry in ClinVar:

ClinVar aggregate classification (germline): Uncertain significance (1 of 4 stars; one submission).

gnomAD v4.1: 3 of 1,614,164 alleles (0.00019%); highest among the groups gnomAD compares: Non-Finnish European, 0.00025%; no homozygotes.

Submission:

Labcorp Genetics (formerly Invitae), Labcorp
Classification: Uncertain significance. Last evaluated: 2024-10-23. Review status: criteria provided, single submitter. Criteria: Invitae Variant Classification Sherloc (09022015). Collection method: clinical testing. Allele origin: germline.
Comment: This sequence change replaces glutamic acid, which is acidic and polar, with alanine, which is neutral and non-polar, at codon 1060 of the SCN3A protein (p.Glu1060Ala). This variant is present in population databases (no rsID available, gnomAD 0.0009%). This variant has not been reported in the literature in individuals affected with SCN3A-related conditions. Invitae Evidence Modeling of protein sequence and biophysical properties (such as structural, functional, and spatial information, amino acid conservation, physicochemical variation, residue mobility, and thermodynamic stability) indicates that this missense variant is not expected to disrupt SCN3A protein function with a negative predictive value of 95%. In summary, the available evidence is currently insufficient to determine the role of this variant in disease. Therefore, it has been classified as a Variant of Uncertain Significance.

NM_006922.4(SCN3A):c.3179A>C (p.Glu1060Ala)

Gene: SCN3A (sodium voltage-gated channel alpha subunit 3; minus strand). Cytogenetic location: 2q24.3.
Variant type: single nucleotide variant.
Coding change: c.3179A>C on transcript NM_006922.4 (MANE Select); coding-DNA position 3179, A replaced by C.
Protein change: p.Glu1060Ala; replaces glutamic acid 1060 with alanine.
Molecular consequence: missense variant.
Genome position (GRCh38, 1-based): chr2:165,127,845, T>G on the plus strand (A>C on the coding strand, the complement: SCN3A is on the minus strand). VCF-style: chr2-165127845-T-G. GRCh37 (hg19) VCF-style: chr2-165984355-T-G.
Other names: c.3032A>C, p.Glu1011Ala (NM_001081676.2, NM_001081677.2); short protein forms E1060A, E1011A.
Identifiers: ClinVar variation 3633987 (VCV003633987.2).